The following is an entry in ClinVar:

ClinVar aggregate classification (germline): Conflicting classifications of pathogenicity. Review status: criteria provided, conflicting classifications (1 of 4 stars). 2 submissions from 2 submitters: Pathogenic (1); Uncertain significance (1). Last evaluated 2022-10-24.

Conditions:
Microcephaly, normal intelligence and immunodeficiency (NBS). Also called: Microcephaly with normal intelligence immunodeficiency and lymphoreticular malignancies; Nonsyndromal microcephaly autosomal recessive with normal intelligence; Seemanova syndrome 2; SEEMANOVA SYNDROME II; BERLIN BREAKAGE SYNDROME; Immunodeficiency, microcephaly with normal intelligence. Identifiers: Orphanet 647, MedGen C0398791, MONDO:0009623, OMIM 251260.
Hereditary cancer-predisposing syndrome. Also called: Tumor predisposition; Neoplastic Syndromes, Hereditary; Hereditary neoplastic syndrome; Hereditary Cancer Syndrome. Identifiers: Orphanet 140162, MedGen C0027672, MeSH D009386, MONDO:0015356.

Submissions (2):

Labcorp Genetics (formerly Invitae), Labcorp
Classification: Pathogenic for Microcephaly, normal intelligence and immunodeficiency. Last evaluated: 2022-10-24. Review status: criteria provided, single submitter. Criteria: Invitae Variant Classification Sherloc (09022015). Collection method: clinical testing. Allele origin: germline.
Comment: This sequence change creates a premature translational stop signal (p.Pro700Thrfs*41) in the NBN gene. While this is not anticipated to result in nonsense mediated decay, it is expected to disrupt the last 55 amino acid(s) of the NBN protein. This variant is not present in population databases (gnomAD no frequency). This variant has not been reported in the literature in individuals affected with NBN-related conditions. ClinVar contains an entry for this variant (Variation ID: 1067626). This variant disrupts the ATM interaction domain of the NBN protein (PMID: 24894818, 21035407), which is important for activating ATM in the double-strand break repair pathway (PMID: 15964794, 15048089). While functional studies have not been performed to directly test the effect of this variant on NBN protein function, this suggests that disruption of this region of the protein is causative of disease. This variant disrupts a region of the NBN protein in which other variant(s) (p.Gln732*) have been determined to be pathogenic (Invitae). This suggests that this is a clinically significant region of the protein, and that variants that disrupt it are likely to be disease-causing. For these reasons, this variant has been classified as Pathogenic.

Ambry Genetics
Classification: Uncertain significance for Hereditary cancer-predisposing syndrome. Last evaluated: 2021-12-09. Review status: criteria provided, single submitter. Criteria: Ambry Variant Classification Scheme 2023. Collection method: clinical testing. Allele origin: germline.
Comment: The c.2097_2098delTC variant, located in coding exon 14 of the NBN gene, results from a deletion of two nucleotides at nucleotide positions 2097 to 2098, causing a translational frameshift with a predicted alternate stop codon (p.P700Tfs*41). This alteration occurs at the 3' terminus of theNBN gene, is not expected to trigger nonsense-mediated mRNAdecay, and only impacts the last 55 amino acids of the protein. The exact functional effect of this alteration is unknown. Since supporting evidence is limited at this time, the clinical significance of this alteration remains unclear.

Literature cited by the submitters: PubMed 24894818 (cited by Labcorp Genetics (formerly Invitae), Labcorp); PubMed 21035407 (cited by Labcorp Genetics (formerly Invitae), Labcorp); PubMed 15964794 (cited by Labcorp Genetics (formerly Invitae), Labcorp); PubMed 15048089 (cited by Labcorp Genetics (formerly Invitae), Labcorp).

NM_002485.5(NBN):c.2097_2098del (p.Pro700fs)

Gene: NBN (nibrin; minus strand). Cytogenetic location: 8q21.3.
Variant type: Deletion.
Coding change: c.2097_2098del on transcript NM_002485.5 (MANE Select); coding-DNA positions 2097 to 2098, 2 bases deleted (TC; older notation c.2097_2098delTC).
Protein change: p.Pro700fs; shifts the reading frame from proline 700.
Molecular consequence: frameshift variant.
Genome position (GRCh38, 1-based): chr8:89,943,339-89,943,340, GA deleted on the plus strand (TC on the coding strand, the reverse complement: NBN is on the minus strand). VCF-style (leftmost placement, unchanged base first): chr8-89943338-GGA-G. GRCh37 (hg19) VCF-style: chr8-90955566-GGA-G.
Other names: c.1851_1852del, p.Pro618fs (NM_001024688.3); short protein forms P618fs, P700fs.
Identifiers: ClinVar variation 1067626 (VCV001067626.9), dbSNP rs2130756068, ClinGen allele CA2499219407.